The following is an entry in ClinVar:

ClinVar aggregate classification (germline): Uncertain significance. Review status: criteria provided, multiple submitters, no conflicts (2 of 4 stars). 2 submissions from 2 submitters: Uncertain significance (2). Last evaluated 2025-02-27.

Allele frequency attached by ClinVar (database versions not stated): TOPMed 0.00001.
gnomAD v4.1: 11 of 1,613,872 alleles (0.00068%); highest among the groups gnomAD compares: Non-Finnish European, 0.00085%; no homozygotes.

Submissions (2):

Mayo Clinic Laboratories, Mayo Clinic
Classification: Uncertain significance. Last evaluated: 2025-02-27. Review status: criteria provided, single submitter. Criteria: ACMG Guidelines, 2015. Collection method: clinical testing. Allele origin: germline. Observed: 1 variant allele.
Comment: PP3, PM2_supporting

Labcorp Genetics (formerly Invitae), Labcorp
Classification: Uncertain significance. Last evaluated: 2023-05-15. Review status: criteria provided, single submitter. Criteria: Invitae Variant Classification Sherloc (09022015). Collection method: clinical testing. Allele origin: germline.
Comment: In summary, the available evidence is currently insufficient to determine the role of this variant in disease. Therefore, it has been classified as a Variant of Uncertain Significance. An algorithm developed to predict the effect of missense changes on protein structure and function (PolyPhen-2) suggests that this variant is likely to be disruptive. ClinVar contains an entry for this variant (Variation ID: 1901116). This variant has not been reported in the literature in individuals affected with LRP6-related conditions. This variant is present in population databases (no rsID available, gnomAD 0.007%). This sequence change replaces glycine, which is neutral and non-polar, with glutamic acid, which is acidic and polar, at codon 1244 of the LRP6 protein (p.Gly1244Glu).

NM_002336.3(LRP6):c.3731G>A (p.Gly1244Glu)

Gene: LRP6 (LDL receptor related protein 6; minus strand). Cytogenetic location: 12p13.2.
Variant type: single nucleotide variant.
Coding change: c.3731G>A on transcript NM_002336.3 (MANE Select); coding-DNA position 3731, G replaced by A.
Protein change: p.Gly1244Glu; replaces glycine 1244 with glutamic acid.
Molecular consequence: missense variant.
Genome position (GRCh38, 1-based): chr12:12,135,177, C>T on the plus strand (G>A on the coding strand, the complement: LRP6 is on the minus strand). VCF-style: chr12-12135177-C-T. GRCh37 (hg19) VCF-style: chr12-12288111-C-T.
Other names: p.Gly1244Glu; c.3824G>A, p.Gly1275Glu (NM_001414244.1); c.3731G>A, p.Gly1244Glu (NM_001414245.1, NM_001414246.1, NM_001414248.1 and 2 more transcripts); c.3533G>A, p.Gly1178Glu (NM_001414247.1); c.3278G>A, p.Gly1093Glu (NM_001414252.1, NM_001414253.1, NM_001414254.1); c.3224G>A, p.Gly1075Glu (NM_001414255.1); short protein forms G1178E, G1075E, G1093E, G1275E, G1244E.
Identifiers: ClinVar variation 1901116 (VCV001901116.6), dbSNP rs1470636207, ClinGen allele CA383952573.